The following is an entry in ClinVar:

ClinVar aggregate classification (germline): Uncertain significance (1 of 4 stars; one submission).

Conditions:
Mosaic variegated aneuploidy syndrome 1 (MVA1). Also called: Warburton-Anyane-Yeboa syndrome. Identifiers: Orphanet 1052, MedGen C1850343, MONDO:0009759, OMIM 257300.

gnomAD v4.1: 1 of 1,613,992 alleles (0.000062%); no homozygotes.

Submission:

Labcorp Genetics (formerly Invitae), Labcorp
Classification: Uncertain significance for Mosaic variegated aneuploidy syndrome 1. Last evaluated: 2023-09-25. Review status: criteria provided, single submitter. Criteria: Invitae Variant Classification Sherloc (09022015). Collection method: clinical testing. Allele origin: germline.
Comment: This variant has not been reported in the literature in individuals affected with BUB1B-related conditions. This sequence change replaces arginine, which is basic and polar, with leucine, which is neutral and non-polar, at codon 199 of the BUB1B protein (p.Arg199Leu). This variant is not present in population databases (gnomAD no frequency). An algorithm developed to predict the effect of missense changes on protein structure and function (PolyPhen-2) suggests that this variant is likely to be disruptive. In summary, the available evidence is currently insufficient to determine the role of this variant in disease. Therefore, it has been classified as a Variant of Uncertain Significance.

NM_001211.6(BUB1B):c.596G>T (p.Arg199Leu)

Gene: BUB1B (BUB1 mitotic checkpoint serine/threonine kinase B; plus strand). Cytogenetic location: 15q15.1.
Variant type: single nucleotide variant.
Coding change: c.596G>T on transcript NM_001211.6 (MANE Select); coding-DNA position 596, G replaced by T.
Protein change: p.Arg199Leu; replaces arginine 199 with leucine.
Molecular consequence: missense variant.
Genome position (GRCh38, 1-based): chr15:40,183,728, G>T. VCF-style: chr15-40183728-G-T. GRCh37 (hg19) VCF-style: chr15-40475929-G-T.
Other names: short protein forms R199L.
Identifiers: ClinVar variation 2805346 (VCV002805346.3), dbSNP rs779260067, ClinGen allele CA391683084.